The following is an entry in ClinVar:

ClinVar aggregate classification (germline): Benign/Likely benign. Review status: criteria provided, multiple submitters, no conflicts (2 of 4 stars). 3 submissions from 3 submitters: Benign (1); Likely benign (2). Last evaluated 2024-09-24.

Conditions:
Hereditary cancer-predisposing syndrome. Also called: Hereditary neoplastic syndrome; Neoplastic Syndromes, Hereditary; Tumor predisposition; Hereditary Cancer Syndrome. Identifiers: Orphanet 140162, MedGen C0027672, MeSH D009386, MONDO:0015356.
Melanoma, cutaneous malignant, susceptibility to, 3. Also called: Cutaneous malignant melanoma 3. Identifiers: Orphanet 618, MedGen C1836892, MONDO:0012183, OMIM 609048.
Familial melanoma. Also called: Hereditary melanoma; Hereditary cutaneous melanoma. Identifiers: Orphanet 618, MedGen C1512419, MONDO:0018961.

Submissions (3):

Myriad Genetics, Inc.
Classification: Benign for Melanoma, cutaneous malignant, susceptibility to, 3. Last evaluated: 2024-09-24. Review status: criteria provided, single submitter. Criteria: Myriad Autosomal Dominant, Autosomal Recessive and X-Linked Classification Criteria (2023). Collection method: clinical testing. Allele origin: unknown.
Comment: This variant is considered benign. This variant is a silent/synonymous amino acid change and it is not expected to impact splicing.

Labcorp Genetics (formerly Invitae), Labcorp
Classification: Likely benign for Familial melanoma. Last evaluated: 2022-12-24. Review status: criteria provided, single submitter. Criteria: Invitae Variant Classification Sherloc (09022015). Collection method: clinical testing. Allele origin: germline.

Ambry Genetics
Classification: Likely benign for Hereditary cancer-predisposing syndrome. Last evaluated: 2022-08-22. Review status: criteria provided, single submitter. Criteria: Ambry Variant Classification Scheme 2023. Collection method: clinical testing. Allele origin: germline.

NM_000075.4(CDK4):c.189G>A (p.Leu63=)

Genes: CDK4 (cyclin dependent kinase 4; minus strand), LOC130008148 (ATAC-STARR-seq lymphoblastoid silent region 4588; plus strand). Cytogenetic location: 12q14.1.
Variant type: single nucleotide variant.
Coding change: c.189G>A on transcript NM_000075.4 (MANE Select); coding-DNA position 189, G replaced by A.
Protein change: p.Leu63=; no amino-acid change (leucine 63 retained).
Molecular consequence: synonymous variant.
Genome position (GRCh38, 1-based): chr12:57,751,529, C>T on the plus strand (G>A on the coding strand, the complement: CDK4 is on the minus strand). VCF-style: chr12-57751529-C-T. GRCh37 (hg19) VCF-style: chr12-58145312-C-T.
Identifiers: ClinVar variation 1124902 (VCV001124902.12), dbSNP rs2140388192, ClinGen allele CA480404693.
Genomic context (GRCh38, chr12:57,751,529, plus strand): 5'-CCCCACGCCCAACCCTCCACCACCTTCTCACCGGACAACATTGGGATGCTCAAAAGCCTC[C>T]AGTCGCCTCAGTAAAGCCACCTCACGAACTGTGCTGATGGGAAGGCCTCCTCCACCTCCT-3'
Protein context (NP_000066.1, residues 53-73): TVREVALLRR[Leu63=]EAFEHPNVVR